The following is an entry in ClinVar:

NM_006852.6(TLK2):c.376C>T (p.Gln126Ter)

Gene: TLK2 (tousled like kinase 2; plus strand). Cytogenetic location: 17q23.2.
Variant type: single nucleotide variant.
Coding change: c.376C>T on transcript NM_006852.6 (MANE Select); coding-DNA position 376, C replaced by T.
Protein change: p.Gln126Ter; replaces glutamine 126 with a stop codon.
Molecular consequence: nonsense. On other transcripts: 5 prime UTR variant (2).
Genome position (GRCh38, 1-based): chr17:62,536,182, C>T. VCF-style: chr17-62536182-C-T. GRCh37 (hg19) VCF-style: chr17-60613543-C-T.
Other names: c.376C>T, p.Gln126Ter (NM_001375270.1, NM_001375271.1, NM_001284333.3); c.280C>T, p.Gln94Ter (NM_001375272.1, NM_001411074.1, NM_001284363.1); c.-72C>T (NM_001375273.1, NM_001330418.3); c.418C>T, p.Gln140Ter (NM_001375269.1); short protein forms Q126*, Q140*, Q94*.
Identifiers: ClinVar variation 3775276 (VCV003775276.1).

ClinVar aggregate classification (germline): Likely pathogenic (1 of 4 stars; one submission).

Conditions:
Intellectual developmental disorder, autosomal dominant 57. Also called: MENTAL RETARDATION, AUTOSOMAL DOMINANT 57; Intellectual disability, autosomal dominant 57. Identifiers: MedGen C4748003, MONDO:0054837, OMIM 618050.

Submission:

3billion
Classification: Likely pathogenic for Intellectual developmental disorder, autosomal dominant 57. Last evaluated: 2023-11-16. Review status: criteria provided, single submitter. Criteria: ACMG Guidelines, 2015. Collection method: clinical testing. Allele origin: germline. Affected: yes.
Comment: The variant is not observed in the gnomAD v2.1.1 dataset. Predicted Consequence/Location: Stop-gained (nonsense): predicted to result in a loss or disruption of normal protein function through nonsense-mediated decay (NMD) or protein truncation. Multiple pathogenic variants are reported downstream of the variant. Therefore, this variant is classified as Likely pathogenic according to the recommendation of ACMG/AMP guideline.